The following is an entry in ClinVar:

NM_004004.6(GJB2):c.23C>T (p.Thr8Met)

Gene: GJB2 (gap junction protein beta 2; minus strand). Cytogenetic location: 13q12.11.
Variant type: single nucleotide variant.
Coding change: c.23C>T on transcript NM_004004.6 (MANE Select); coding-DNA position 23, C replaced by T.
Protein change: p.Thr8Met; replaces threonine 8 with methionine.
Molecular consequence: missense variant.
Genome position (GRCh38, 1-based): chr13:20,189,559, G>A on the plus strand (C>T on the coding strand, the complement: GJB2 is on the minus strand). VCF-style: chr13-20189559-G-A. GRCh37 (hg19) VCF-style: chr13-20763698-G-A.
Other names: NM_004004.6(GJB2):c.23C>T; p.Thr8Met; short protein forms T8M.
Identifiers: ClinVar variation 379889 (VCV000379889.69), dbSNP rs529500747, ClinGen allele CA6904332.
Genomic context (GRCh38, chr13:20,189,559, plus strand): 5'-AGGACGGTGAGCCAGATCTTTCCAATGCTGGTGGAGTGTTTGTTCACACCCCCCAGGATC[G>A]TCTGCAGCGTGCCCCAATCCATCTTCTACTCTGGGCGGTTTGCTCTGGAAAAGACGAATG-3'
Protein context (NP_003995.2, residues 1-18): MDWGTLQ[Thr8Met]ILGGVNKHST

ClinVar aggregate classification (germline): Uncertain significance. Review status: reviewed by expert panel (3 of 4 stars). 17 submissions from 17 submitters: Uncertain significance (1). 16 of the submissions do not count toward it. Last evaluated 2025-01-15.

Conditions:
Autosomal dominant keratitis-ichthyosis-hearing loss syndrome. Also called: Senter syndrome; HID SYNDROME; KID SYNDROME, AUTOSOMAL DOMINANT. Identifiers: Orphanet 477, MedGen C0265336, MONDO:0007850, OMIM 148210.
Knuckle pads, deafness AND leukonychia syndrome. Also called: Bart-Pumphrey syndrome. Identifiers: Orphanet 2698, MedGen C0266004, MONDO:0007866, OMIM 149200.
Autosomal recessive nonsyndromic hearing loss 1A (DFNB1A). Also called: GJB6-Related DFNB 1 Nonsyndromic Hearing Loss and Deafness; Deafness, autosomal recessive 1A; Nonsyndromic Hearing Loss and Deafness, DFNB1; GJB2-Related Autosomal Recessive Nonsyndromic Hearing Loss; Connexin 26 deafness; Deafness nonsyndromic, Connexin 26 linked. Identifiers: Orphanet 90636, MedGen C2673759, MONDO:0009076, OMIM 220290.
Palmoplantar keratoderma-deafness syndrome. Also called: Keratoderma palmoplantar, with deafness; Palmoplantar keratoderma and sensorineural deafness; Hereditary palmoplantar keratoderma with deafness (subtype); Focal palmoplantar keratoderma with sensorineural deafness (subtype); Diffuse palmoplantar keratoderma with deafness (subtype). Identifiers: Orphanet 2202, MedGen C1835672, MONDO:0007852, OMIM 148350.
Ichthyosis, hystrix-like, with hearing loss. Also called: Hystrix-like ichthyosis with deafness. Identifiers: Orphanet 477, MedGen C1865234, MONDO:0011245.
Autosomal dominant nonsyndromic hearing loss 3A. Identifiers: Orphanet 90635, MedGen C2675750, MONDO:0011103, OMIM 601544.
Mutilating keratoderma (VOWNKL). Also called: Keratoderma hereditarium mutilans. Identifiers: Orphanet 494, MedGen C0265964, MONDO:0007422, OMIM 124500.
Nonsyndromic genetic hearing loss. Also called: Non-syndromic genetic deafness; Nonsyndromic genetic deafness; Nonsyndromic hearing loss and deafness. Identifiers: Orphanet 87884, MedGen C5680182, MONDO:0019497.
GJB2-related disorder. Also called: GJB2-related condition; GJB2-related disorders. Identifiers: MedGen CN382183, MONDO:1060236.

Allele frequency attached by ClinVar (database versions not stated): gnomAD exomes 0.00010 and 0.00008; gnomAD 0.00011 and 0.00006; 1000 Genomes Project 0.00020; 1000 Genomes Project 30x 0.00016; ExAC 0.00007; TOPMed 0.00009.
gnomAD v4.1: 157 of 1,614,166 alleles (0.0097%); highest among the groups gnomAD compares: Middle Eastern, 0.083%; 1 homozygote.

Submissions 1 to 5 of 17:

ClinGen Hearing Loss Variant Curation Expert Panel
Classification: Uncertain significance for Nonsyndromic genetic hearing loss. Last evaluated: 2025-01-15. Review status: reviewed by expert panel. Criteria: Clingen Hl Acmg Specifications Cdh23 Coch Gjb2 Kcnq4 Myo6 Myo7a Slc26a4 Tecta Ush2a V2. Collection method: curation. Allele origin: germline. Inheritance: Autosomal recessive inheritance.
Comment: The c.23C>T variant in GJB2 is a missense variant predicted to cause substitution of threonine by methionine at amino acid 8. The filtering allele frequency (the lower threshold of the 95% CI of 75/91084, 1 homozygote) of this variant is 0.06728% in the South Asian chromosomes by gnomAD v4.1.0, which is neither above nor below the thresholds defined by the ClinGen HL EP for autosomal recessive conditions (PM2_Supporting, BS1, and BA1 not met). The computational predictor REVEL gives a score of 0.632, which is neither above nor below the thresholds predicting a damaging or benign impact on GJB2 function. Dual whole cell voltage clamp and dye transfer assays in HeLa cells demonstrated that even though potassium permeability remains the same in the variant, there is a reduction in cationic and large molecules dye transfer compared to WT (PMID:18684989) (PS3_Supporting). This variant has been detected in at least two individuals with autosomal recessive NSHL. One was compound heterozygous for the variant and a pathogenic variant, c.109G>A (p.Val37Ile), with phase unknown (0.5 PM3 points, PMID: 22384008). One individual was homozygous for the variant (0.5 PM3 points, PMID: 31162818) (PM3). In summary, this variant meets the criteria to be classified as uncertain significance for autosomal recessive nonsyndromic genetic hearing loss based on the ACMG/AMP criteria applied, as specified by the ClinGen Hearing Loss VCEP: PM3, PS3_Supporting (Hearing Loss VCEP specifications version 2; 01/15/2025).

OLLIN Analises Genomicas, OLLIN
Classification: Uncertain significance for Autosomal recessive nonsyndromic hearing loss 1A. Last evaluated: 2026-08-06. Review status: criteria provided, single submitter. Criteria: ACMG Guidelines 2015 PMID 25741868. Collection method: clinical testing. Allele origin: germline. Not counted in ClinVar's aggregate classification.
Comment: This missense variant, located in exon 2 (of 2), has been reported in ClinVar (accession VCV000379889.65), in gnomAD with an allele frequency of 0.0097%, and in the scientific literature, in compound heterozygosity, in individuals with GJB2 related disorders (PMID: 18684989, 22384008, 31162818). In silico analysis is inconclusive regarding the impact of this variant; however, functional studies suggest that it may affect protein function (PMID: 18684989). According to the currently available evidence, this variant has been classified as uncertain significance (PS3_P, PM3).

Labcorp Genetics (formerly Invitae), Labcorp
Classification: Uncertain significance. Last evaluated: 2025-01-06. Review status: criteria provided, single submitter. Criteria: Invitae Variant Classification Sherloc (09022015). Collection method: clinical testing. Allele origin: germline. Not counted in ClinVar's aggregate classification.
Comment: This sequence change replaces threonine, which is neutral and polar, with methionine, which is neutral and non-polar, at codon 8 of the GJB2 protein (p.Thr8Met). This variant is present in population databases (rs529500747, gnomAD 0.04%). This missense change has been observed in individual(s) with GJB2-related conditions (PMID: 22384008, 26095810, 31162818, 36147510). ClinVar contains an entry for this variant (Variation ID: 379889). Invitae Evidence Modeling of protein sequence and biophysical properties (such as structural, functional, and spatial information, amino acid conservation, physicochemical variation, residue mobility, and thermodynamic stability) has been performed for this missense variant. However, the output from this modeling did not meet the statistical confidence thresholds required to predict the impact of this variant on GJB2 protein function. Experimental studies are conflicting or provide insufficient evidence to determine the effect of this variant on GJB2 function (PMID: 15241677, 18684989). In summary, the available evidence is currently insufficient to determine the role of this variant in disease. Therefore, it has been classified as a Variant of Uncertain Significance.

Blueprint Genetics
Classification: Likely pathogenic for GJB2-related disorders. Last evaluated: 2024-07-29. Review status: criteria provided, single submitter. Criteria: ACMG Guidelines, 2015. Collection method: clinical testing. Allele origin: germline. Affected: yes. Observed: 5 variant alleles. Not counted in ClinVar's aggregate classification.

Department of Pathology and Laboratory Medicine, Sinai Health System
Classification: Likely pathogenic for Knuckle pads, deafness AND leukonychia syndrome; Mutilating keratoderma; Palmoplantar keratoderma-deafness syndrome. Last evaluated: 2023-05-09. Review status: criteria provided, single submitter. Criteria: ACMG Guidelines, 2015. Collection method: research. Allele origin: germline. Not counted in ClinVar's aggregate classification.